The following is an entry in ClinVar:

ClinVar aggregate classification (germline): Benign. Review status: criteria provided, multiple submitters, no conflicts (2 of 4 stars). 7 submissions from 7 submitters: Benign (6). 1 of the submissions does not count toward it. Last evaluated 2026-02-02.

Conditions:
SPTLC2-related disorder. Also called: SPTLC2-related condition.
Neuropathy, hereditary sensory and autonomic, type 1C. Also called: HSAN IC; HSN IC. Identifiers: Orphanet 36386, MedGen C3150896, MONDO:0013337, OMIM 613640.

Allele frequency attached by ClinVar (database versions not stated): gnomAD exomes 0.00114 and 0.00301; ExAC 0.00358; gnomAD 0.01139 and 0.01229; 1000 Genomes Project 0.01158; ESP Exome Variant Server 0.01269; TOPMed 0.01292; 1000 Genomes Project 30x 0.01359.
gnomAD v4.1: 3,467 of 1,614,188 alleles (0.21%); highest among the groups gnomAD compares: African/African-American, 4.1%; 82 homozygotes.

Submissions (7):

Labcorp Genetics (formerly Invitae), Labcorp
Classification: Benign for Neuropathy, hereditary sensory and autonomic, type 1C. Last evaluated: 2026-02-02. Review status: criteria provided, single submitter. Criteria: Invitae Variant Classification Sherloc (09022015). Collection method: clinical testing. Allele origin: germline.

ARUP Laboratories, Molecular Genetics and Genomics, ARUP Laboratories
Classification: Benign for Neuropathy, hereditary sensory and autonomic, type 1C. Last evaluated: 2023-11-06. Review status: criteria provided, single submitter. Criteria: ARUP Molecular Germline Variant Investigation Process 2024. Collection method: clinical testing. Allele origin: germline.

Fulgent Genetics
Classification: Benign for Neuropathy, hereditary sensory and autonomic, type 1C. Last evaluated: 2022-03-08. Review status: criteria provided, single submitter. Criteria: ACMG Guidelines, 2015. Collection method: clinical testing. Allele origin: unknown.

Illumina Laboratory Services, Illumina
Classification: Benign for Neuropathy, hereditary sensory and autonomic, type 1C. Last evaluated: 2018-01-12. Review status: criteria provided, single submitter. Criteria: ICSL Variant Classification Criteria 13 December 2019. Collection method: clinical testing. Allele origin: germline.
Comment: This variant was observed in the ICSL laboratory as part of a predisposition screen in an ostensibly healthy population. It had not been previously curated by ICSL or reported in the Human Gene Mutation Database (HGMD: prior to June 1st, 2018), and was therefore a candidate for classification through an automated scoring system. Utilizing variant allele frequency, disease prevalence and penetrance estimates, and inheritance mode, an automated score was calculated to assess if this variant is too frequent to cause the disease. Based on the score and internal cut-off values, a variant classified as benign is not then subjected to further curation. The score for this variant resulted in a classification of benign for this disease.

GeneDx
Classification: Benign. Last evaluated: 2016-06-02. Review status: criteria provided, single submitter. Criteria: GeneDx Variant Classification (06012015). Collection method: clinical testing. Allele origin: germline. Affected: yes.
Comment: This variant is considered likely benign or benign based on one or more of the following criteria: it is a conservative change, it occurs at a poorly conserved position in the protein, it is predicted to be benign by multiple in silico algorithms, and/or has population frequency not consistent with disease.

Breakthrough Genomics
Classification: Benign. Review status: criteria provided, single submitter. Criteria: ACMG Guidelines, 2015. Collection method: not provided. Allele origin: germline. Inheritance: Autosomal dominant inheritance. Affected: yes.

PreventionGenetics, part of Exact Sciences
Classification: Benign for SPTLC2-related condition. Last evaluated: 2019-07-29. Review status: no assertion criteria provided. Collection method: clinical testing. Allele origin: germline. Not counted in ClinVar's aggregate classification.
Comment: This variant is classified as benign based on ACMG/AMP sequence variant interpretation guidelines (Richards et al. 2015 PMID: 25741868, with internal and published modifications).

NM_004863.4(SPTLC2):c.1428T>G (p.Pro476=)

Gene: SPTLC2 (serine palmitoyltransferase long chain base subunit 2; minus strand). Cytogenetic location: 14q24.3.
Variant type: single nucleotide variant.
Coding change: c.1428T>G on transcript NM_004863.4 (MANE Select); coding-DNA position 1428, T replaced by G.
Protein change: p.Pro476=; no amino-acid change (proline 476 retained).
Molecular consequence: synonymous variant.
Genome position (GRCh38, 1-based): chr14:77,521,457, A>C on the plus strand (T>G on the coding strand, the complement: SPTLC2 is on the minus strand). VCF-style: chr14-77521457-A-C. GRCh37 (hg19) VCF-style: chr14-77987800-A-C.
Identifiers: ClinVar variation 314668 (VCV000314668.19), dbSNP rs34418677, ClinGen allele CA7289169.